The following is an entry in ClinVar:

NM_014297.5(ETHE1):c.46C>T (p.Arg16Cys)

Gene: ETHE1 (ETHE1 persulfide dioxygenase; minus strand). Cytogenetic location: 19q13.31.
Variant type: single nucleotide variant.
Coding change: c.46C>T on transcript NM_014297.5 (MANE Select); coding-DNA position 46, C replaced by T.
Protein change: p.Arg16Cys; replaces arginine 16 with cysteine.
Molecular consequence: missense variant. On other transcripts: 5 prime UTR variant (1).
Genome position (GRCh38, 1-based): chr19:43,527,132, G>A on the plus strand (C>T on the coding strand, the complement: ETHE1 is on the minus strand). VCF-style: chr19-43527132-G-A. GRCh37 (hg19) VCF-style: chr19-44031284-G-A.
Other names: c.46C>T (NM_014297.3); c.46C>T, p.Arg16Cys (NM_001320867.2, NM_001320869.2); c.-175C>T (NM_001320868.2); short protein forms R16C.
Identifiers: ClinVar variation 1046238 (VCV001046238.9), dbSNP rs761653656, ClinGen allele CA308754565.
Genomic context (GRCh38, chr19:43,527,132, plus strand): 5'-CCCTCCTAGGTCCAGCCACCCGCACCTGCCGCAGGAGGATGGGGGCTCCAGACCCGCCGC[G>A]CTGGCTCAGCTGCCGCCGGGCGACCCTCAGTACAGCCTCCGCCATCGCGCCCACTGCGGG-3'
Protein context (NP_055112.2, residues 6-26): LRVARRQLSQ[Arg16Cys]GGSGAPILLR

ClinVar aggregate classification (germline): Uncertain significance. Review status: criteria provided, multiple submitters, no conflicts (2 of 4 stars). 3 submissions from 3 submitters: Uncertain significance (2). 1 of the submissions does not count toward it. Last evaluated 2023-12-09.

Conditions:
Ethylmalonic encephalopathy (EE). Also called: EPEMA syndrome; Encephalopathy, petechiae, and ethylmalonic aciduria; Syndrome of encephalopathy, petechiae, and ethylmalonic aciduria. Identifiers: Orphanet 51188, MedGen C1865349, MONDO:0011229, OMIM 602473. Disease mechanism: loss of function.
Inborn genetic diseases. Identifiers: MedGen C0950123, MeSH D030342.

Allele frequency attached by ClinVar (database versions not stated): gnomAD exomes 0.00001; gnomAD 0.00007; TOPMed 0.00014.
gnomAD v4.1: 19 of 1,552,826 alleles (0.0012%); highest among the groups gnomAD compares: Admixed American, 0.03%; no homozygotes.

Submissions (3):

Ambry Genetics
Classification: Uncertain significance for Inborn genetic diseases. Last evaluated: 2023-12-09. Review status: criteria provided, single submitter. Criteria: Ambry Variant Classification Scheme 2023. Collection method: clinical testing. Allele origin: germline.

Labcorp Genetics (formerly Invitae), Labcorp
Classification: Uncertain significance for Ethylmalonic encephalopathy. Last evaluated: 2022-10-25. Review status: criteria provided, single submitter. Criteria: Invitae Variant Classification Sherloc (09022015). Collection method: clinical testing. Allele origin: germline.
Comment: This sequence change replaces arginine, which is basic and polar, with cysteine, which is neutral and slightly polar, at codon 16 of the ETHE1 protein (p.Arg16Cys). The frequency data for this variant in the population databases is considered unreliable, as metrics indicate poor data quality at this position in the gnomAD database. This variant has not been reported in the literature in individuals affected with ETHE1-related conditions. ClinVar contains an entry for this variant (Variation ID: 1046238). Advanced modeling of protein sequence and biophysical properties (such as structural, functional, and spatial information, amino acid conservation, physicochemical variation, residue mobility, and thermodynamic stability) performed at Invitae indicates that this missense variant is not expected to disrupt ETHE1 protein function. In summary, the available evidence is currently insufficient to determine the role of this variant in disease. Therefore, it has been classified as a Variant of Uncertain Significance.

Natera, Inc.
Classification: Uncertain significance for Ethylmalonic encephalopathy. Last evaluated: 2020-06-02. Review status: no assertion criteria provided. Collection method: clinical testing. Allele origin: germline. Not counted in ClinVar's aggregate classification.